The following is an entry in ClinVar:

ClinVar aggregate classification (germline): Benign/Likely benign. Review status: criteria provided, multiple submitters, no conflicts (2 of 4 stars). 3 submissions from 3 submitters: Benign (1); Likely benign (1). 1 of the submissions does not count toward it. Last evaluated 2025-11-01.

Conditions:
ACE-related disorder. Also called: ACE-related condition; ACE-related disorders.

Allele frequency attached by ClinVar (database versions not stated): gnomAD exomes 0.00011 and 0.00034; ExAC 0.00043; 1000 Genomes Project 30x 0.00062; 1000 Genomes Project 0.00080; gnomAD 0.00141 and 0.00150; TOPMed 0.00159; ESP Exome Variant Server 0.00169.
gnomAD v4.1: 382 of 1,612,992 alleles (0.024%); highest among the groups gnomAD compares: African/African-American, 0.45%; 3 homozygotes.

Submissions (3):

Labcorp Genetics (formerly Invitae), Labcorp
Classification: Benign. Last evaluated: 2025-11-01. Review status: criteria provided, single submitter. Criteria: Invitae Variant Classification Sherloc (09022015). Collection method: clinical testing. Allele origin: germline.

Blueprint Genetics
Classification: Likely benign. Last evaluated: 2024-10-08. Review status: criteria provided, single submitter. Criteria: ACMG Guidelines, 2015. Collection method: clinical testing. Allele origin: germline.

PreventionGenetics, part of Exact Sciences
Classification: Likely benign for ACE-related condition. Last evaluated: 2019-06-20. Review status: no assertion criteria provided. Collection method: clinical testing. Allele origin: germline. Not counted in ClinVar's aggregate classification.
Comment: This variant is classified as likely benign based on ACMG/AMP sequence variant interpretation guidelines (Richards et al. 2015 PMID: 25741868, with internal and published modifications).

NM_000789.4(ACE):c.600G>A (p.Leu200=)

Gene: ACE (angiotensin I converting enzyme; plus strand). Cytogenetic location: 17q23.3.
Variant type: single nucleotide variant.
Coding change: c.600G>A on transcript NM_000789.4 (MANE Select); coding-DNA position 600, G replaced by A.
Protein change: p.Leu200=; no amino-acid change (leucine 200 retained).
Molecular consequence: synonymous variant. On other transcripts: intron variant (2).
Genome position (GRCh38, 1-based): chr17:63,479,857, G>A. VCF-style: chr17-63479857-G-A. GRCh37 (hg19) VCF-style: chr17-61557218-G-A.
Other names: c.-197-480G>A (NM_001382701.1); c.183-480G>A (NM_001382700.1); c.600G>A (NM_000789.3).
Identifiers: ClinVar variation 1545410 (VCV001545410.11), dbSNP rs4299, ClinGen allele CA8699151.